The following is an entry in ClinVar:

ClinVar aggregate classification (germline): Likely benign. Review status: criteria provided, multiple submitters, no conflicts (2 of 4 stars). 2 submissions from 2 submitters: Likely benign (2). Last evaluated 2025-11-01.

Conditions:
Episodic ataxia type 2 (EA2). Also called: ACETAZOLAMIDE-RESPONSIVE HEREDITARY PAROXYSMAL CEREBELLAR ATAXIA; ATAXIA, EPISODIC, WITH NYSTAGMUS; ATAXIA, FAMILIAL PAROXYSMAL; CEREBELLAR ATAXIA, PAROXYSMAL, ACETAZOLAMIDE-RESPONSIVE; CEREBELLOPATHY, HEREDITARY PAROXYSMAL; EPISODIC ATAXIA, NYSTAGMUS-ASSOCIATED. Identifiers: Orphanet 97, MedGen C1720416, MONDO:0007163, OMIM 108500.
Developmental and epileptic encephalopathy, 42 (DEE42A). Also called: DEVELOPMENTAL AND EPILEPTIC ENCEPHALOPATHY 42A; EPILEPTIC ENCEPHALOPATHY, EARLY INFANTILE, 42A; Epileptic encephalopathy, early infantile, 42. Identifiers: MedGen C4310716, MONDO:0014917, OMIM 617106.

Submissions (2):

CeGaT Center for Human Genetics Tuebingen
Classification: Likely benign. Last evaluated: 2025-11-01. Review status: criteria provided, single submitter. Criteria: CeGaT Center For Human Genetics Tuebingen Variant Classification Criteria Version 2. Collection method: clinical testing. Allele origin: germline. Affected: yes. Observed: 1 variant allele.
Comment: CACNA1A: PM2:Supporting, BP4, BP7

Labcorp Genetics (formerly Invitae), Labcorp
Classification: Likely benign for Developmental and epileptic encephalopathy, 42; Episodic ataxia type 2. Last evaluated: 2022-09-27. Review status: criteria provided, single submitter. Criteria: Invitae Variant Classification Sherloc (09022015). Collection method: clinical testing. Allele origin: germline.

NM_001127222.2(CACNA1A):c.2439A>G (p.Pro813=)

Gene: CACNA1A (calcium voltage-gated channel subunit alpha1 A; minus strand). Cytogenetic location: 19p13.13.
Variant type: single nucleotide variant.
Coding change: c.2439A>G on transcript NM_001127222.2 (MANE Select); coding-DNA position 2439, A replaced by G.
Protein change: p.Pro813=; no amino-acid change (proline 813 retained).
Molecular consequence: synonymous variant.
Genome position (GRCh38, 1-based): chr19:13,299,194, T>C on the plus strand (A>G on the coding strand, the complement: CACNA1A is on the minus strand). VCF-style: chr19-13299194-T-C. GRCh37 (hg19) VCF-style: chr19-13410008-T-C.
Other names: c.2451A>G, p.Pro817= (NM_000068.4, NM_023035.3); c.2442A>G, p.Pro814= (NM_001127221.2, NM_001174080.2).
Identifiers: ClinVar variation 1553480 (VCV001553480.14), dbSNP rs2144957398, ClinGen allele CA505785676.